The following is an entry in ClinVar:

NM_001376.5(DYNC1H1):c.9665T>C (p.Leu3222Ser)

Gene: DYNC1H1 (dynein cytoplasmic 1 heavy chain 1; plus strand). Cytogenetic location: 14q32.31.
Variant type: single nucleotide variant.
Coding change: c.9665T>C on transcript NM_001376.5 (MANE Select); coding-DNA position 9665, T replaced by C.
Protein change: p.Leu3222Ser; replaces leucine 3222 with serine.
Molecular consequence: missense variant.
Genome position (GRCh38, 1-based): chr14:102,029,841, T>C. VCF-style: chr14-102029841-T-C. GRCh37 (hg19) VCF-style: chr14-102496178-T-C.
Other names: short protein forms L3222S.
Identifiers: ClinVar variation 4855147 (VCV004855147.1).

ClinVar aggregate classification (germline): Uncertain significance (1 of 4 stars; one submission).

Conditions:
Cortical dysplasia, complex, with other brain malformations 13. Also called: Intellectual disability, autosomal dominant 13. Identifiers: MedGen C3281202, MONDO:0013805, OMIM 614563.

Submission:

3billion
Classification: Uncertain significance for Cortical dysplasia, complex, with other brain malformations 13. Last evaluated: 2026-01-27. Review status: criteria provided, single submitter. Criteria: ACMG Guidelines, 2015. Collection method: clinical testing. Allele origin: germline. Affected: yes.
Comment: The variant is not observed in the gnomAD v4.1.0 dataset. Predicted Consequence/Location: Missense variant. Missense changes are a common disease-causing mechanism. In silico tool predictions suggest damaging effect of the variant on gene or gene product [REVEL: 0.91 (>=0.6, sensitivity 0.68 and specificity 0.92); 3Cnet: 0.92 (> 0.75, sensitivity 0.96 and precision 0.92)]. Therefore, this variant is classified as VUS according to the recommendation of ACMG/AMP guideline.